The following is an entry in ClinVar:

ClinVar aggregate classification (germline): Benign/Likely benign. Review status: criteria provided, multiple submitters, no conflicts (2 of 4 stars). 5 submissions from 5 submitters: Benign (1); Likely benign (4). Last evaluated 2025-12-19.

Conditions:
Inborn genetic diseases. Identifiers: MedGen C0950123, MeSH D030342.
Cornelia de Lange syndrome 5 (CDLS5). Also called: HDAC8-Related Cornelia de Lange Syndrome. Identifiers: Orphanet 199, MedGen C3550903, MONDO:0010471, OMIM 300882.

Allele frequency attached by ClinVar (database versions not stated): gnomAD 0.00009; TOPMed 0.00010; ESP Exome Variant Server 0.00019.
gnomAD v4.1: 202 of 1,207,058 alleles (0.017%); highest among the groups gnomAD compares: Middle Eastern, 0.046%; no homozygotes.

Submissions (5):

Labcorp Genetics (formerly Invitae), Labcorp
Classification: Benign for Cornelia de Lange syndrome 5. Last evaluated: 2025-12-19. Review status: criteria provided, single submitter. Criteria: Invitae Variant Classification Sherloc (09022015). Collection method: clinical testing. Allele origin: germline.

CeGaT Center for Human Genetics Tuebingen
Classification: Likely benign. Last evaluated: 2025-02-01. Review status: criteria provided, single submitter. Criteria: CeGaT Center For Human Genetics Tuebingen Variant Classification Criteria Version 2. Collection method: clinical testing. Allele origin: germline. Affected: yes. Observed: 2 variant alleles.
Comment: HDAC8: BP4, BS2

Blueprint Genetics
Classification: Likely benign. Last evaluated: 2024-05-23. Review status: criteria provided, single submitter. Criteria: ACMG Guidelines, 2015. Collection method: clinical testing. Allele origin: germline.

Ambry Genetics
Classification: Likely benign for Inborn genetic diseases. Last evaluated: 2017-06-13. Review status: criteria provided, single submitter. Criteria: Ambry Variant Classification Scheme 2023. Collection method: clinical testing. Allele origin: germline.

Genetic Services Laboratory, University of Chicago
Classification: Likely benign. Last evaluated: 2015-07-21. Review status: criteria provided, single submitter. Criteria: ACMG Guidelines, 2015. Collection method: clinical testing. Allele origin: germline.

NM_018486.3(HDAC8):c.20C>G (p.Pro7Arg)

Gene: HDAC8 (histone deacetylase 8; minus strand). Cytogenetic location: Xq13.1.
Variant type: single nucleotide variant.
Coding change: c.20C>G on transcript NM_018486.3 (MANE Select); coding-DNA position 20, C replaced by G.
Protein change: p.Pro7Arg; replaces proline 7 with arginine.
Molecular consequence: missense variant. On other transcripts: non-coding transcript variant (1).
Genome position (GRCh38, 1-based): chrX:72,572,742, G>C on the plus strand (C>G on the coding strand, the complement: HDAC8 is on the minus strand). VCF-style: chrX-72572742-G-C. GRCh37 (hg19) VCF-style: chrX-71792592-G-C.
Other names: c.20C>G, p.Pro7Arg (NM_001166418.2, NM_001166419.2, NM_001166420.2 and 2 more transcripts); short protein forms P7R.
Identifiers: ClinVar variation 211140 (VCV000211140.40), dbSNP rs147689487, ClinGen allele CA205573.